The following is an entry in ClinVar:

ClinVar aggregate classification (germline): Uncertain significance (1 of 4 stars; one submission).

Conditions:
Cardiovascular phenotype. Identifiers: MedGen CN230736.

Submission:

Ambry Genetics
Classification: Uncertain significance for Cardiovascular phenotype. Last evaluated: 2026-06-12. Review status: criteria provided, single submitter. Criteria: Ambry Variant Classification Scheme 2023. Collection method: clinical testing. Allele origin: germline.
Comment: The p.R539K variant (also known as c.1616G>A), located in coding exon 11 of the LMF1 gene, results from a G to A substitution at nucleotide position 1616. The arginine at codon 539 is replaced by lysine, an amino acid with highly similar properties. This amino acid position is conserved. In addition, this alteration is predicted to be tolerated by in silico analysis. Based on the available evidence, the clinical significance of this variant remains unclear.

NM_022773.4(LMF1):c.1616G>A (p.Arg539Lys)

Gene: LMF1 (lipase maturation factor 1; minus strand). Cytogenetic location: 16p13.3.
Variant type: single nucleotide variant.
Coding change: c.1616G>A on transcript NM_022773.4 (MANE Select); coding-DNA position 1616, G replaced by A.
Protein change: p.Arg539Lys; replaces arginine 539 with lysine.
Molecular consequence: missense variant. On other transcripts: synonymous variant (1), non-coding transcript variant (1).
Genome position (GRCh38, 1-based): chr16:854,620, C>T on the plus strand (G>A on the coding strand, the complement: LMF1 is on the minus strand). VCF-style: chr16-854620-C-T. GRCh37 (hg19) VCF-style: chr16-904620-C-T.
Other names: c.965G>A, p.Arg322Lys (NM_001352017.2, NM_001352021.2); c.1217G>A, p.Arg406Lys (NM_001352018.2); c.1289G>A, p.Arg430Lys (NM_001352019.2); c.1536G>A, p.Glu512= (NM_001352020.1); short protein forms R322K, R406K, R430K, R539K.
Identifiers: ClinVar variation 4859229 (VCV004859229.1).